The following is an entry in ClinVar:

NM_022114.4(PRDM16):c.3135G>A (p.Thr1045=)

Gene: PRDM16 (PR/SET domain 16; plus strand). Cytogenetic location: 1p36.32.
Variant type: single nucleotide variant.
Coding change: c.3135G>A on transcript NM_022114.4 (MANE Select); coding-DNA position 3135, G replaced by A.
Protein change: p.Thr1045=; no amino-acid change (threonine 1045 retained).
Molecular consequence: synonymous variant.
Genome position (GRCh38, 1-based): chr1:3,426,076, G>A. VCF-style: chr1-3426076-G-A. GRCh37 (hg19) VCF-style: chr1-3342640-G-A.
Other names: c.3135G>A, p.Thr1045= (NM_199454.3).
Identifiers: ClinVar variation 227870 (VCV000227870.40), dbSNP rs761078027, ClinGen allele CA544750.

ClinVar aggregate classification (germline): Likely benign. Review status: criteria provided, multiple submitters, no conflicts (2 of 4 stars). 4 submissions from 4 submitters: Likely benign (4). Last evaluated 2025-12-01.

Conditions:
Left ventricular noncompaction 8 (LVNC8). Identifiers: Orphanet 154, Orphanet 54260, MedGen C3809288, MONDO:0014152, OMIM 615373.

Allele frequency attached by ClinVar (database versions not stated): gnomAD exomes 0.00002; ExAC 0.00003; gnomAD 0.00007; TOPMed 0.00008.
gnomAD v4.1: 22 of 1,613,434 alleles (0.0014%); highest among the groups gnomAD compares: African/African-American, 0.02%; no homozygotes.

Submissions (4):

Labcorp Genetics (formerly Invitae), Labcorp
Classification: Likely benign for Left ventricular noncompaction 8. Last evaluated: 2025-12-01. Review status: criteria provided, single submitter. Criteria: Invitae Variant Classification Sherloc (09022015). Collection method: clinical testing. Allele origin: germline.

CeGaT Center for Human Genetics Tuebingen
Classification: Likely benign. Last evaluated: 2023-01-01. Review status: criteria provided, single submitter. Criteria: CeGaT Center For Human Genetics Tuebingen Variant Classification Criteria Version 2. Collection method: clinical testing. Allele origin: germline. Affected: yes. Observed: 1 variant allele.
Comment: PRDM16: BP4, BP7

GeneDx
Classification: Likely benign. Last evaluated: 2020-10-30. Review status: criteria provided, single submitter. Criteria: GeneDx Variant Classification Process June 2021. Collection method: clinical testing. Allele origin: germline. Affected: yes.

Laboratory for Molecular Medicine, Mass General Brigham Personalized Medicine
Classification: Likely benign. Last evaluated: 2015-05-06. Review status: criteria provided, single submitter. Criteria: LMM Criteria. Collection method: clinical testing. Allele origin: germline. Observed: 1 variant allele.
Comment: p.Thr1045Thr in exon 14 of PRDM16: This variant is not expected to have clinical significance because it does not alter an amino acid residue and is not located within the splice consensus sequence. It has been identified in 2/9712 African chromosomes and 1/6588 Finnish chromosomes by the Exome Aggregation Consortium ( ExAC).